The following is an entry in ClinVar:

ClinVar aggregate classification (germline): Uncertain significance (1 of 4 stars; one submission).

Allele frequency attached by ClinVar (database versions not stated): TOPMed below 0.00001.

Submission:

Labcorp Genetics (formerly Invitae), Labcorp
Classification: Uncertain significance. Last evaluated: 2023-09-20. Review status: criteria provided, single submitter. Criteria: Invitae Variant Classification Sherloc (09022015). Collection method: clinical testing. Allele origin: germline.
Comment: This sequence change replaces phenylalanine, which is neutral and non-polar, with isoleucine, which is neutral and non-polar, at codon 157 of the POLE protein (p.Phe157Ile). In summary, the available evidence is currently insufficient to determine the role of this variant in disease. Therefore, it has been classified as a Variant of Uncertain Significance. Advanced modeling of protein sequence and biophysical properties (such as structural, functional, and spatial information, amino acid conservation, physicochemical variation, residue mobility, and thermodynamic stability) performed at Invitae indicates that this missense variant is expected to disrupt POLE protein function. ClinVar contains an entry for this variant (Variation ID: 1715667). This variant has not been reported in the literature in individuals affected with POLE-related conditions. This variant is not present in population databases (gnomAD no frequency).

NM_006231.4(POLE):c.469T>A (p.Phe157Ile)

Gene: POLE (DNA polymerase epsilon, catalytic subunit; minus strand). Cytogenetic location: 12q24.33.
Variant type: single nucleotide variant.
Coding change: c.469T>A on transcript NM_006231.4 (MANE Select); coding-DNA position 469, T replaced by A.
Protein change: p.Phe157Ile; replaces phenylalanine 157 with isoleucine.
Molecular consequence: missense variant.
Genome position (GRCh38, 1-based): chr12:132,679,606, A>T on the plus strand (T>A on the coding strand, the complement: POLE is on the minus strand). VCF-style: chr12-132679606-A-T. GRCh37 (hg19) VCF-style: chr12-133256192-A-T.
Other names: short protein forms F157I.
Identifiers: ClinVar variation 1715667 (VCV001715667.5), dbSNP rs762506074, ClinGen allele CA387367377.